The following is an entry in ClinVar:

NM_178857.6(RP1L1):c.1707C>T (p.Ser569=)

Gene: RP1L1 (RP1 like 1). Cytogenetic location: 8p23.1.
Variant type: single nucleotide variant.
Coding change: c.1707C>T on transcript NM_178857.6 (MANE Select); coding-DNA position 1707, C replaced by T.
Protein change: p.Ser569=; no amino-acid change (serine 569 retained).
Molecular consequence: synonymous variant.
Genome position (GRCh38, 1-based): chr8:10,612,391, G>A on the plus strand (C>T on the coding strand, the complement: RP1L1 is on the minus strand). VCF-style: chr8-10612391-G-A. GRCh37 (hg19) VCF-style: chr8-10469901-G-A.
Identifiers: ClinVar variation 3035304 (VCV003035304.3), dbSNP rs199551988, ClinGen allele CA4625081.

ClinVar aggregate classification (germline): Likely benign. Review status: criteria provided, single submitter (1 of 4 stars). 2 submissions from 2 submitters: Likely benign (1). 1 of the submissions does not count toward it. Last evaluated 2022-05-09.

Conditions:
RP1L1-related disorder. Also called: RP1L1-related condition.

Allele frequency attached by ClinVar (database versions not stated): gnomAD exomes 0.00007; ExAC 0.00014; ESP Exome Variant Server 0.00024; TOPMed 0.00039; 1000 Genomes Project 0.00040; gnomAD 0.00040; 1000 Genomes Project 30x 0.00078.
gnomAD v4.1: 165 of 1,612,636 alleles (0.01%); highest among the groups gnomAD compares: African/African-American, 0.15%; 1 homozygote.

Submissions (2):

Blueprint Genetics
Classification: Likely benign. Last evaluated: 2022-05-09. Review status: criteria provided, single submitter. Criteria: ACMG Guidelines, 2015. Collection method: clinical testing. Allele origin: germline.

PreventionGenetics, part of Exact Sciences
Classification: Likely benign for RP1L1-related condition. Last evaluated: 2019-09-04. Review status: no assertion criteria provided. Collection method: clinical testing. Allele origin: germline. Not counted in ClinVar's aggregate classification.
Comment: This variant is classified as likely benign based on ACMG/AMP sequence variant interpretation guidelines (Richards et al. 2015 PMID: 25741868, with internal and published modifications).